The following is an entry in ClinVar:

NM_016030.6(TRAPPC12):c.681T>A (p.Phe227Leu)

Gene: TRAPPC12 (trafficking protein particle complex subunit 12; plus strand). Cytogenetic location: 2p25.3.
Variant type: single nucleotide variant.
Coding change: c.681T>A on transcript NM_016030.6 (MANE Select); coding-DNA position 681, T replaced by A.
Protein change: p.Phe227Leu; replaces phenylalanine 227 with leucine.
Molecular consequence: missense variant.
Genome position (GRCh38, 1-based): chr2:3,388,304, T>A. VCF-style: chr2-3388304-T-A. GRCh37 (hg19) VCF-style: chr2-3392075-T-A.
Other names: c.681T>A, p.Phe227Leu (NM_001321102.2); short protein forms F227L.
Identifiers: ClinVar variation 3362200 (VCV003362200.3).

ClinVar aggregate classification (germline): Uncertain significance. Review status: criteria provided, multiple submitters, no conflicts (2 of 4 stars). 2 submissions from 2 submitters: Uncertain significance (2). Last evaluated 2023-06-22.

Conditions:
Early-onset progressive encephalopathy-hearing loss-pons hypoplasia-brain atrophy syndrome. Also called: ENCEPHALOPATHY, PROGRESSIVE, EARLY-ONSET, WITH BRAIN ATROPHY AND SPASTICITY. Identifiers: Orphanet 500144, MedGen C5567229, MONDO:0044696, OMIM 617669.

gnomAD v4.1: 15 of 1,606,796 alleles (0.00093%); highest among the groups gnomAD compares: South Asian, 0.017%; no homozygotes.

Submissions (2):

Neuberg Centre For Genomic Medicine, NCGM
Classification: Uncertain significance for Early-onset progressive encephalopathy-hearing loss-pons hypoplasia-brain atrophy syndrome. Last evaluated: 2023-06-22. Review status: criteria provided, single submitter. Criteria: ACMG Guidelines, 2015. Collection method: clinical testing. Allele origin: germline. Inheritance: Autosomal recessive inheritance. Affected: yes.
Comment: The observed missense variant c.681T>A(p.Phe227Leu) in the TRAPPC12 gene has not been reported previously as a pathogenic variant nor as a benign variant, to our knowledge. A different missense variant [c.679T>G (p.Phe227Val)] at the same position has been reported in homozygous state in an affected individual (Aslanger AD, et al., 2020). This variant is reported with the allele frequency 0.003% in the gnomAD Exomes. The amino acid Phe at position 227 is changed to a Leu changing protein sequence and it might alter its composition and physico-chemical properties. Multiple lines of computational evidence (Polyphen - Damaging, SIFT - Damaging and MutationTaster - Disease causing) predict a damaging effect on protein structure and function for this variant. The residue is conserved by GERP++ and PhyloP across 100 vertebrates. For these reasons, this variant has been classified as Uncertain Significance.

GeneDx
Classification: Uncertain significance. Last evaluated: 2023-06-01. Review status: criteria provided, single submitter. Criteria: GeneDx Variant Classification Process June 2021. Collection method: clinical testing. Allele origin: germline. Affected: yes.
Comment: In silico analysis supports that this missense variant does not alter protein structure/function; Has not been previously published as pathogenic or benign to our knowledge